The following is an entry in ClinVar:

NM_032444.4(SLX4):c.5249C>T (p.Ala1750Val)

Gene: SLX4 (SLX4 structure-specific endonuclease subunit; minus strand). Cytogenetic location: 16p13.3.
Variant type: single nucleotide variant.
Coding change: c.5249C>T on transcript NM_032444.4 (MANE Select); coding-DNA position 5249, C replaced by T.
Protein change: p.Ala1750Val; replaces alanine 1750 with valine.
Molecular consequence: missense variant.
Genome position (GRCh38, 1-based): chr16:3,582,598, G>A on the plus strand (C>T on the coding strand, the complement: SLX4 is on the minus strand). VCF-style: chr16-3582598-G-A. GRCh37 (hg19) VCF-style: chr16-3632599-G-A.
Other names: c.5249C>T (NM_032444.3); short protein forms A1750V.
Identifiers: ClinVar variation 698166 (VCV000698166.13), dbSNP rs745421287, ClinGen allele CA7865361.

ClinVar aggregate classification (germline): Conflicting classifications of pathogenicity. Review status: criteria provided, conflicting classifications (1 of 4 stars). 5 submissions from 5 submitters: Uncertain significance (1); Likely benign (3). 1 of the submissions does not count toward it. Last evaluated 2025-11-10.

Conditions:
Fanconi anemia (FA). Also called: Fanconi's anemia. Identifiers: Orphanet 84, MedGen C0015625, MeSH D005199, MONDO:0019391.
SLX4-related disorder. Also called: SLX4-related condition.
Fanconi anemia complementation group A (FANCA). Also called: Fanconi anemia, group A; FANCA-Related Fanconi Anemia. Identifiers: Orphanet 84, MedGen C3469521, MONDO:0009215, OMIM 227650.

Allele frequency attached by ClinVar (database versions not stated): TOPMed 0.00012; gnomAD 0.00015 and 0.00016; gnomAD exomes 0.00015 and 0.00023; ExAC 0.00024.

Submissions (5):

Labcorp Genetics (formerly Invitae), Labcorp
Classification: Likely benign for Fanconi anemia. Last evaluated: 2025-11-10. Review status: criteria provided, single submitter. Criteria: Invitae Variant Classification Sherloc (09022015). Collection method: clinical testing. Allele origin: germline.

Blueprint Genetics
Classification: Uncertain significance. Last evaluated: 2024-11-19. Review status: criteria provided, single submitter. Criteria: ACMG Guidelines, 2015. Collection method: clinical testing. Allele origin: germline.

Sema4
Classification: Likely benign for Fanconi anemia. Last evaluated: 2022-02-28. Review status: criteria provided, single submitter. Criteria: Sema4 Curation Guidelines. Collection method: curation. Allele origin: germline.

Mendelics
Classification: Likely benign for Fanconi anemia complementation group A. Last evaluated: 2019-05-28. Review status: criteria provided, single submitter. Criteria: Mendelics Assertion Criteria 2017. Collection method: clinical testing. Allele origin: unknown.

PreventionGenetics, part of Exact Sciences
Classification: Likely benign for SLX4-related condition. Last evaluated: 2023-04-19. Review status: no assertion criteria provided. Collection method: clinical testing. Allele origin: germline. Not counted in ClinVar's aggregate classification.
Comment: This variant is classified as likely benign based on ACMG/AMP sequence variant interpretation guidelines (Richards et al. 2015 PMID: 25741868, with internal and published modifications).